The following is an entry in ClinVar:

NM_002150.3(HPD):c.31-1G>A

Genes: HPD (4-hydroxyphenylpyruvate dioxygenase; minus strand), TIALD (transcript inducer of AURKA lysosomal degradation; plus strand). Cytogenetic location: 12q24.31.
Variant type: single nucleotide variant.
Coding change: c.31-1G>A on transcript NM_002150.3 (MANE Select); the canonical splice acceptor site of the intron before coding-DNA position 31, G replaced by A.
Molecular consequence: splice acceptor variant.
Genome position (GRCh38, 1-based): chr12:121,857,820, C>T on the plus strand (G>A on the coding strand, the complement: HPD is on the minus strand). VCF-style: chr12-121857820-C-T. GRCh37 (hg19) VCF-style: chr12-122295726-C-T.
Other names: c.-87-1G>A (NM_001171993.2).
Identifiers: ClinVar variation 2939726 (VCV002939726.3), dbSNP rs2500329430, ClinGen allele CA387002669.
Genomic context (GRCh38, chr12:121,857,820, plus strand): 5'-CTTGGCGTTGCCAACCCAGAAGGTCACAGAGTGGAAGTGGAGGAATCGGCCTCTCTCAGG[C>T]TGCAGAAGGAGAGAAGAGGTGAGGTTGAGTCCCTGAAAGTGAGTCTAGAAAAGTGCGGGT-3'

ClinVar aggregate classification (germline): Likely pathogenic (1 of 4 stars; one submission).

Conditions:
Hawkinsinuria. Identifiers: Orphanet 2118, MedGen C2931042, MONDO:0007700, OMIM 140350, HP:0034457.
Tyrosinemia type III. Also called: Tyrosinemia type 3; 4-alpha hydroxyphenylpyruvic acid oxidase deficiency; 4-alpha hydroxyphenylpyruvate dioxygenase deficiency; 4-Hydroxyphenylpyruvate dioxygenase deficiency; 4-HYDROXYPHENYLPYRUVIC ACID OXIDASE DEFICIENCY. Identifiers: Orphanet 69723, MedGen C0268623, MONDO:0010162, OMIM 276710.

Submission:

Labcorp Genetics (formerly Invitae), Labcorp
Classification: Likely pathogenic for Tyrosinemia type III; Hawkinsinuria. Last evaluated: 2023-12-24. Review status: criteria provided, single submitter. Criteria: Invitae Variant Classification Sherloc (09022015). Collection method: clinical testing. Allele origin: germline.
Comment: This sequence change affects an acceptor splice site in intron 2 of the HPD gene. It is expected to disrupt RNA splicing. Variants that disrupt the donor or acceptor splice site typically lead to a loss of protein function (PMID: 16199547), and loss-of-function variants in HPD are known to be pathogenic (PMID: 10942115, 23036342). This variant is not present in population databases (gnomAD no frequency). This variant has not been reported in the literature in individuals affected with HPD-related conditions. Algorithms developed to predict the effect of sequence changes on RNA splicing suggest that this variant may disrupt the consensus splice site. In summary, the currently available evidence indicates that the variant is pathogenic, but additional data are needed to prove that conclusively. Therefore, this variant has been classified as Likely Pathogenic.

Literature cited by the submitters: PubMed 16199547; PubMed 10942115; PubMed 23036342.